The following is an entry in ClinVar:

ClinVar aggregate classification (germline): Uncertain significance (1 of 4 stars; one submission).

Conditions:
Hyperphosphatasia with impaired intellectual development syndrome 2. Also called: Hyperphosphatasia with intellectual disability syndrome 2; GLYCOSYLPHOSPHATIDYLINOSITOL BIOSYNTHESIS DEFECT 6. Identifiers: Orphanet 247262, MedGen C3553637, MONDO:0013882, OMIM 614749.

Allele frequency attached by ClinVar (database versions not stated): TOPMed 0.00001; gnomAD exomes below 0.00001; gnomAD 0.00001.

Submission:

Labcorp Genetics (formerly Invitae), Labcorp
Classification: Uncertain significance for Hyperphosphatasia with impaired intellectual development syndrome 2. Last evaluated: 2022-06-17. Review status: criteria provided, single submitter. Criteria: Invitae Variant Classification Sherloc (09022015). Collection method: clinical testing. Allele origin: germline.
Comment: This sequence change replaces isoleucine, which is neutral and non-polar, with methionine, which is neutral and non-polar, at codon 1066 of the PIGO protein (p.Ile1066Met). This variant is present in population databases (no rsID available, gnomAD 0.0009%). This variant has not been reported in the literature in individuals affected with PIGO-related conditions. ClinVar contains an entry for this variant (Variation ID: 660495). Algorithms developed to predict the effect of missense changes on protein structure and function are either unavailable or do not agree on the potential impact of this missense change (SIFT: "Tolerated"; PolyPhen-2: "Possibly Damaging"; Align-GVGD: "Class C0"). In summary, the available evidence is currently insufficient to determine the role of this variant in disease. Therefore, it has been classified as a Variant of Uncertain Significance.

NM_032634.4(PIGO):c.3198A>G (p.Ile1066Met)

Gene: PIGO (phosphatidylinositol glycan anchor biosynthesis class O; minus strand). Cytogenetic location: 9p13.3.
Variant type: single nucleotide variant.
Coding change: c.3198A>G on transcript NM_032634.4 (MANE Select); coding-DNA position 3198, A replaced by G.
Protein change: p.Ile1066Met; replaces isoleucine 1066 with methionine.
Molecular consequence: missense variant.
Genome position (GRCh38, 1-based): chr9:35,089,164, T>C on the plus strand (A>G on the coding strand, the complement: PIGO is on the minus strand). VCF-style: chr9-35089164-T-C. GRCh37 (hg19) VCF-style: chr9-35089161-T-C.
Other names: c.1947A>G, p.Ile649Met (NM_001201484.2, NM_152850.4); short protein forms I649M, I1066M.
Identifiers: ClinVar variation 660495 (VCV000660495.6), dbSNP rs1205267378, ClinGen allele CA373317000.